The following is an entry in ClinVar:

NM_014283.5(SUCO):c.3329G>A (p.Arg1110His)

Gene: SUCO (SUN domain containing ossification factor; plus strand). Cytogenetic location: 1q24.3.
Variant type: single nucleotide variant.
Coding change: c.3329G>A on transcript NM_014283.5 (MANE Select); coding-DNA position 3329, G replaced by A.
Protein change: p.Arg1110His; replaces arginine 1110 with histidine.
Molecular consequence: missense variant.
Genome position (GRCh38, 1-based): chr1:172,609,823, G>A. VCF-style: chr1-172609823-G-A. GRCh37 (hg19) VCF-style: chr1-172578963-G-A.
Other names: c.3329G>A (NM_014283.3); c.2216G>A, p.Arg739His (NM_001282750.2); c.1640G>A, p.Arg547His (NM_001282751.2); c.3782G>A, p.Arg1261His (NM_016227.4); short protein forms R1110H, R1261H, R739H, R547H.
Identifiers: ClinVar variation 2735062 (VCV002735062.4), dbSNP rs775449814, ClinGen allele CA1247342.

ClinVar aggregate classification (germline): Uncertain significance. Review status: criteria provided, multiple submitters, no conflicts (2 of 4 stars). 2 submissions from 2 submitters: Uncertain significance (2). Last evaluated 2025-12-08.

Allele frequency attached by ClinVar (database versions not stated): gnomAD exomes 0.00001; gnomAD 0.00002; ExAC 0.00003; TOPMed 0.00003.
gnomAD v4.1: 21 of 1,593,538 alleles (0.0013%); highest among the groups gnomAD compares: East Asian, 0.0045%; no homozygotes.

Submissions (2):

Ambry Genetics
Classification: Uncertain significance. Last evaluated: 2025-12-08. Review status: criteria provided, single submitter. Criteria: Ambry Variant Classification Scheme 2023. Collection method: clinical testing. Allele origin: germline.

Labcorp Genetics (formerly Invitae), Labcorp
Classification: Uncertain significance. Last evaluated: 2025-01-18. Review status: criteria provided, single submitter. Criteria: Invitae Variant Classification Sherloc (09022015). Collection method: clinical testing. Allele origin: germline.
Comment: This sequence change replaces arginine, which is basic and polar, with histidine, which is basic and polar, at codon 1110 of the SUCO protein (p.Arg1110His). This variant is present in population databases (rs775449814, gnomAD 0.008%). This variant has not been reported in the literature in individuals affected with SUCO-related conditions. ClinVar contains an entry for this variant (Variation ID: 2735062). An algorithm developed to predict the effect of missense changes on protein structure and function (PolyPhen-2) suggests that this variant is likely to be disruptive. In summary, the available evidence is currently insufficient to determine the role of this variant in disease. Therefore, it has been classified as a Variant of Uncertain Significance.